The following is an entry in ClinVar:

ClinVar aggregate classification (germline): Pathogenic (1 of 4 stars; one submission).

Conditions:
Propionic acidemia (PROP). Also called: GLYCINEMIA, KETOTIC; HYPERGLYCINEMIA WITH KETOACIDOSIS AND LEUKOPENIA; KETOTIC HYPERGLYCINEMIA. Identifiers: Orphanet 35, MedGen C0268579, MONDO:0011628, OMIM 606054, HP:0003571.

Submission:

Labcorp Genetics (formerly Invitae), Labcorp
Classification: Pathogenic for Propionic acidemia. Last evaluated: 2023-11-24. Review status: criteria provided, single submitter. Criteria: Invitae Variant Classification Sherloc (09022015). Collection method: clinical testing. Allele origin: unknown.
Comment: This variant is a gross deletion of the genomic region encompassing exon(s) 21 of the PCCA gene. This variant would be expected to be in-frame, preserving the integrity of the reading frame. A similar copy number variant has been observed in individual(s) with propionic acidemia (PMID: 15059621). Algorithms developed to predict the effect of variants on protein structure and function are not available or were not evaluated for this variant. Experimental studies have shown that a similar copy number variant affects PCCA function (PMID: 12385775). This variant disrupts the p.Gly631 amino acid residue in PCCA. Other variant(s) that disrupt this residue have been determined to be pathogenic (PMID: 10101253, 12385775, 27825584). This suggests that this residue is clinically significant, and that variants that disrupt this residue are likely to be disease-causing. For these reasons, this variant has been classified as Pathogenic.

Literature cited by the submitters: PubMed 15059621; PubMed 12385775; PubMed 10101253; PubMed 27825584.

NC_000013.10:g.(?_101101486)_(101101579_?)del

Gene: PCCA (propionyl-CoA carboxylase subunit alpha; plus strand). Cytogenetic location: 13q32.3.
Variant type: Deletion.
Identifiers: ClinVar variation 3244142 (VCV003244142.1).